The following is an entry in ClinVar:

ClinVar aggregate classification (germline): Likely benign (1 of 4 stars; one submission).

Conditions:
PLEKHG5-related disorder. Also called: PLEKHG5-related condition.

gnomAD v4.1: 10 of 1,567,344 alleles (0.00064%); highest among the groups gnomAD compares: Non-Finnish European, 0.0006%; no homozygotes.

Submission:

PreventionGenetics, part of Exact Sciences
Classification: Likely benign for PLEKHG5-related condition. Last evaluated: 2025-07-01. Review status: criteria provided, single submitter. Criteria: ACMG Guidelines, 2015. Collection method: clinical testing. Allele origin: germline.
Comment: This variant is classified as likely benign based on ACMG/AMP sequence variant interpretation guidelines (Richards et al. 2015 PMID: 25741868, with internal and published modifications).

NM_020631.6(PLEKHG5):c.2784T>C (p.Asp928=)

Gene: PLEKHG5 (pleckstrin homology and RhoGEF domain containing G5; minus strand). Cytogenetic location: 1p36.31.
Variant type: single nucleotide variant.
Coding change: c.2784T>C on transcript NM_020631.6 (MANE Select); coding-DNA position 2784, T replaced by C.
Protein change: p.Asp928=; no amino-acid change (aspartic acid 928 retained).
Molecular consequence: synonymous variant. On other transcripts: intron variant (1).
Genome position (GRCh38, 1-based): chr1:6,468,052, A>G on the plus strand (T>C on the coding strand, the complement: PLEKHG5 is on the minus strand). VCF-style: chr1-6468052-A-G. GRCh37 (hg19) VCF-style: chr1-6528112-A-G.
Other names: c.2895T>C, p.Asp965= (NM_001042663.3, NM_001265592.2); c.2784T>C, p.Asp928= (NM_001042664.2, NM_001042665.2, NM_198681.4); c.2991T>C, p.Asp997= (NM_001265593.2); c.2737+47T>C (NM_001265594.3).
Identifiers: ClinVar variation 4997913 (VCV004997913.1).